The following is an entry in ClinVar:

NM_000274.4(OAT):c.1228G>A (p.Asp410Asn)

Gene: OAT (ornithine aminotransferase; minus strand). Cytogenetic location: 10q26.13.
Variant type: single nucleotide variant.
Coding change: c.1228G>A on transcript NM_000274.4 (MANE Select); coding-DNA position 1228, G replaced by A.
Protein change: p.Asp410Asn; replaces aspartic acid 410 with asparagine.
Molecular consequence: missense variant.
Genome position (GRCh38, 1-based): chr10:124,398,034, C>T on the plus strand (G>A on the coding strand, the complement: OAT is on the minus strand). VCF-style: chr10-124398034-C-T. GRCh37 (hg19) VCF-style: chr10-126086603-C-T.
Other names: c.814G>A, p.Asp272Asn (NM_001171814.2); c.1228G>A, p.Asp410Asn (NM_001322965.2, NM_001322966.2, NM_001322967.2 and 3 more transcripts); c.907G>A, p.Asp303Asn (NM_001322971.2); c.628G>A, p.Asp210Asn (NM_001322974.2); short protein forms D210N, D272N, D410N, D303N.
Identifiers: ClinVar variation 642889 (VCV000642889.11), dbSNP rs745530000, ClinGen allele CA5733288.

ClinVar aggregate classification (germline): Uncertain significance. Review status: criteria provided, multiple submitters, no conflicts (2 of 4 stars). 5 submissions from 5 submitters: Uncertain significance (4). 1 of the submissions does not count toward it. Last evaluated 2025-09-04.

Conditions:
OAT-related disorder. Also called: OAT-related condition.
Inborn genetic diseases. Identifiers: MedGen C0950123, MeSH D030342.
Ornithine aminotransferase deficiency (GACR). Also called: OKT DEFICIENCY; HYPERORNITHINEMIA WITH GYRATE ATROPHY OF CHOROID AND RETINA; OAT DEFICIENCY; Ornithine ketoacid aminotransferase deficiency; Gyrate atrophy; Gyrate atrophy of choroid and retina. Identifiers: Orphanet 414, MedGen C0018425, MONDO:0009796, OMIM 258870.

Allele frequency attached by ClinVar (database versions not stated): ExAC 0.00002; gnomAD exomes 0.00002 and 0.00003; TOPMed 0.00002; gnomAD 0.00003 and 0.00004.
gnomAD v4.1: 30 of 1,613,966 alleles (0.0019%); highest among the groups gnomAD compares: African/African-American, 0.0027%; no homozygotes.

Submissions (5):

PreventionGenetics, part of Exact Sciences
Classification: Uncertain significance for OAT-related condition. Last evaluated: 2025-09-04. Review status: criteria provided, single submitter. Criteria: ACMG Guidelines, 2015. Collection method: clinical testing. Allele origin: germline.
Comment: The OAT c.1228G>A variant is predicted to result in the amino acid substitution p.Asp410Asn. To our knowledge, this variant has not been reported in the literature. This variant is present in 0.0078% of alleles in individuals of European (Non-Finnish) descent in gnomAD. At this time, the clinical significance of this variant is uncertain due to the absence of conclusive functional and genetic evidence.

Labcorp Genetics (formerly Invitae), Labcorp
Classification: Uncertain significance for Ornithine aminotransferase deficiency. Last evaluated: 2025-03-17. Review status: criteria provided, single submitter. Criteria: Invitae Variant Classification Sherloc (09022015). Collection method: clinical testing. Allele origin: germline.
Comment: This sequence change replaces aspartic acid, which is acidic and polar, with asparagine, which is neutral and polar, at codon 410 of the OAT protein (p.Asp410Asn). This variant is present in population databases (rs745530000, gnomAD 0.006%). This variant has not been reported in the literature in individuals affected with OAT-related conditions. ClinVar contains an entry for this variant (Variation ID: 642889). Invitae Evidence Modeling of protein sequence and biophysical properties (such as structural, functional, and spatial information, amino acid conservation, physicochemical variation, residue mobility, and thermodynamic stability) indicates that this missense variant is not expected to disrupt OAT protein function with a negative predictive value of 80%. In summary, the available evidence is currently insufficient to determine the role of this variant in disease. Therefore, it has been classified as a Variant of Uncertain Significance.

Ambry Genetics
Classification: Uncertain significance for Inborn genetic diseases. Last evaluated: 2025-03-05. Review status: criteria provided, single submitter. Criteria: Ambry Variant Classification Scheme 2023. Collection method: clinical testing. Allele origin: germline.

Blueprint Genetics
Classification: Uncertain significance. Last evaluated: 2022-09-23. Review status: criteria provided, single submitter. Criteria: ACMG Guidelines, 2015. Collection method: clinical testing. Allele origin: germline.

Natera, Inc.
Classification: Uncertain significance for Gyrate atrophy. Last evaluated: 2021-04-02. Review status: no assertion criteria provided. Collection method: clinical testing. Allele origin: germline. Not counted in ClinVar's aggregate classification.